The following is an entry in ClinVar:

ClinVar aggregate classification (germline): Conflicting classifications of pathogenicity. Review status: criteria provided, conflicting classifications (1 of 4 stars). 8 submissions from 8 submitters: Likely pathogenic (1); Uncertain significance (4). 3 of the submissions do not count toward it. Last evaluated 2024-12-13.

Conditions:
Eichsfeld type congenital muscular dystrophy (CMYO3). Also called: MYOPATHY, SEPN1-RELATED; SELENON-related myopathy; Congenital myopathy 3 with rigid spine; Rigid spine muscular dystrophy 1. Identifiers: MedGen C0410180, MONDO:0100100, OMIM 602771.

Allele frequency attached by ClinVar (database versions not stated): TOPMed 0.00001; gnomAD 0.00002.
gnomAD v4.1: 41 of 1,613,994 alleles (0.0025%); highest among the groups gnomAD compares: Middle Eastern, 0.016%; no homozygotes.

Submissions (8):

Labcorp Genetics (formerly Invitae), Labcorp
Classification: Uncertain significance for Eichsfeld type congenital muscular dystrophy. Last evaluated: 2024-12-13. Review status: criteria provided, single submitter. Criteria: Invitae Variant Classification Sherloc (09022015). Collection method: clinical testing. Allele origin: germline.
Comment: This sequence change replaces serine, which is neutral and polar, with leucine, which is neutral and non-polar, at codon 476 of the SELENON protein (p.Ser476Leu). This variant is present in population databases (rs368377980, gnomAD 0.004%). This variant has not been reported in the literature in individuals affected with SELENON-related conditions. ClinVar contains an entry for this variant (Variation ID: 432162). Invitae Evidence Modeling of protein sequence and biophysical properties (such as structural, functional, and spatial information, amino acid conservation, physicochemical variation, residue mobility, and thermodynamic stability) indicates that this missense variant is expected to disrupt SELENON protein function with a positive predictive value of 95%. In summary, the available evidence is currently insufficient to determine the role of this variant in disease. Therefore, it has been classified as a Variant of Uncertain Significance.

Blueprint Genetics
Classification: Uncertain significance. Last evaluated: 2023-10-13. Review status: criteria provided, single submitter. Criteria: ACMG Guidelines, 2015. Collection method: clinical testing. Allele origin: germline.

Broad Center for Mendelian Genomics, Broad Institute of MIT and Harvard
Classification: Uncertain significance. Last evaluated: 2023-01-24. Review status: criteria provided, single submitter. Criteria: ACMG Guidelines, 2015. Collection method: curation. Allele origin: germline. Inheritance: Autosomal recessive inheritance.
Comment: The p.Ser476Leu variant in SELENON has not been previously reported in the literature in individuals with SELENON-RM, but has been identified in 0.004% (5/113154) of European (non-Finnish) chromosomes by the Genome Aggregation Database (gnomAD; dbSNP ID: rs368377980). Although this variant has been seen in the general population in a heterozygous state, its frequency is low enough to be consistent with a recessive carrier frequency. This variant has also been reported in ClinVar (Variation ID#: 432162) and has been interpreted as likely pathogenic by GeneDx and as a variant of uncertain significance by Invite, Genome Diagnostics Laboratory (Amsterdam University Medical Center), Diagnostic Laboratory (Department of Genetics, University Medical Center Groningen), Human Genetics - Radboudumc (Radboudumc). Computational prediction tools, including splice predictors, and conservation analyses suggest that this variant may not impact the protein, though this information is not predictive enough to rule out pathogenicity. In summary, the clinical significance of the p.Ser476Leu variant is uncertain. ACMG/AMP Criteria applied: BP4, PM2_supporting, (Richards 2015).

Women's Health and Genetics/Laboratory Corporation of America, LabCorp
Classification: Uncertain significance. Last evaluated: 2022-05-18. Review status: criteria provided, single submitter. Criteria: LabCorp Variant Classification Summary - May 2015. Collection method: clinical testing. Allele origin: germline.
Comment: Variant summary: SELENON c.1427C>T (p.Ser476Leu) results in a non-conservative amino acid change in the encoded protein sequence. Three of five in-silico tools predict a benign effect of the variant on protein function. The variant allele was found at a frequency of 2.4e-05 in 249402 control chromosomes. The available data on variant occurrences in the general population are insufficient to allow any conclusion about variant significance. To our knowledge, no occurrence of c.1427C>T in individuals affected with Eichsfeld Type Congenital Muscular Dystrophy has been reported. One publication reports experimental evidence evaluating an impact on protein function, however, the variant was not tested in isolation and thus this report does not allow convincing conclusions about the variant effect (Maiti_2009). Two clinical diagnostic laboratories have submitted clinical-significance assessments for this variant to ClinVar after 2014 without evidence for independent evaluation. One laboratory classified the variant as likely pathogenic, and one laboratory classified the variant as uncertain significance. Based on the evidence outlined above, the variant was classified as uncertain significance.

GeneDx
Classification: Likely pathogenic. Last evaluated: 2016-05-27. Review status: criteria provided, single submitter. Criteria: GeneDx Variant Classification (06012015). Collection method: clinical testing. Allele origin: germline. Affected: yes.
Comment: The S476L variant has not been reported in an individual with a SEPN1-related myopathy, but functional studies demonstrated that S476L restored base pairing in the highly conserved stem loop structure of the Selenocysteine Redefinition Element when paired with another SEPN1 variant (c.1397 G>A) which was previously shown to affect this region and reduce read-through efficiency (Maiti et al., 2009). These studies suggest that S476L alone may destabilize the SRE similar to that of R466Q. The S476L variant was not observed in approximately 6,200 individuals of European and African American ancestry in the NHLBI Exome Sequencing Project, indicating it is not a common benign variant in these populations. This variant is a non-conservative amino acid substitution, which is likely to impact secondary protein structure as these residues differ in polarity, charge, size and/or other properties. However, this substitution occurs at a position that is not conserved, and in silico analysis is inconsistent in its predictions as to whether or not the variant is damaging to the protein structure/function. Therefore, this variant is likely pathogenic; however, the possibility that it is benign cannot be excluded.

Diagnostic Laboratory, Department of Genetics, University Medical Center Groningen
Classification: Uncertain significance. Review status: no assertion criteria provided. Collection method: clinical testing. Allele origin: germline. Affected: yes. Study: VKGL Data-share Consensus. Not counted in ClinVar's aggregate classification.

Genome Diagnostics Laboratory, Amsterdam University Medical Center
Classification: Uncertain significance. Review status: no assertion criteria provided. Collection method: clinical testing. Allele origin: germline. Affected: yes. Study: VKGL Data-share Consensus. Not counted in ClinVar's aggregate classification.

Joint Genome Diagnostic Labs from Nijmegen and Maastricht, Radboudumc and MUMC+
Classification: Uncertain significance. Review status: no assertion criteria provided. Collection method: clinical testing. Allele origin: germline. Affected: yes. Study: VKGL Data-share Consensus. Not counted in ClinVar's aggregate classification.

Literature cited by the submitters: PubMed 19067361 (cited by Women's Health and Genetics/Laboratory Corporation of America, LabCorp).

NM_206926.2(SELENON):c.1325C>T (p.Ser442Leu)

Gene: SELENON (selenoprotein N; plus strand). Cytogenetic location: 1p36.11.
Variant type: single nucleotide variant.
Coding change: c.1325C>T on transcript NM_206926.2 (MANE Select); coding-DNA position 1325, C replaced by T.
Protein change: p.Ser442Leu; replaces serine 442 with leucine.
Molecular consequence: missense variant.
Genome position (GRCh38, 1-based): chr1:25,813,920, C>T. VCF-style: chr1-25813920-C-T. GRCh37 (hg19) VCF-style: chr1-26140411-C-T.
Other names: NM_020451.3(SELENON):c.1427C>T; p.Ser476Leu; c.1427C>T, p.Ser476Leu (NM_020451.3); short protein forms S476L, S442L.
Identifiers: ClinVar variation 432162 (VCV000432162.17), dbSNP rs368377980, ClinGen allele CA696878.